The following is an entry in ClinVar:

NM_207122.2(EXT2):c.1315A>G (p.Ser439Gly)

Genes: EXT2 (exostosin glycosyltransferase 2; plus strand), LOC126861201 (MED14-independent group 3 enhancer GRCh37_chr11:44218806-44220005; plus strand). Cytogenetic location: 11p11.2.
Variant type: single nucleotide variant.
Coding change: c.1315A>G on transcript NM_207122.2 (MANE Select); coding-DNA position 1315, A replaced by G.
Protein change: p.Ser439Gly; replaces serine 439 with glycine.
Molecular consequence: missense variant.
Genome position (GRCh38, 1-based): chr11:44,197,838, A>G. VCF-style: chr11-44197838-A-G. GRCh37 (hg19) VCF-style: chr11-44219388-A-G.
Other names: c.1414A>G, p.Ser472Gly (NM_000401.3); c.1345A>G, p.Ser449Gly (NM_001178083.3); c.1315A>G, p.Ser439Gly (NM_001389628.1, NM_001389630.1); short protein forms S439G, S449G, S472G.
Identifiers: ClinVar variation 1412670 (VCV001412670.8), dbSNP rs760086935, ClinGen allele CA5955235.

ClinVar aggregate classification (germline): Uncertain significance (1 of 4 stars; one submission).

Conditions:
Exostoses, multiple, type 2 (EXT2). Also called: Hereditary Multiple Osteochondromatosis, Type II; EXOSTOSES, MULTIPLE, TYPE II. Identifiers: Orphanet 321, MedGen C1851413, MONDO:0007586, OMIM 133701.

Allele frequency attached by ClinVar (database versions not stated): TOPMed below 0.00001; gnomAD exomes 0.00001 and 0.00002; ExAC 0.00002.
gnomAD v4.1: 5 of 1,614,024 alleles (0.00031%); highest among the groups gnomAD compares: Admixed American, 0.0083%; no homozygotes.

Submission:

Labcorp Genetics (formerly Invitae), Labcorp
Classification: Uncertain significance for Exostoses, multiple, type 2. Last evaluated: 2024-04-06. Review status: criteria provided, single submitter. Criteria: Invitae Variant Classification Sherloc (09022015). Collection method: clinical testing. Allele origin: germline.
Comment: This sequence change replaces serine, which is neutral and polar, with glycine, which is neutral and non-polar, at codon 439 of the EXT2 protein (p.Ser439Gly). This variant is present in population databases (rs760086935, gnomAD 0.01%). This variant has not been reported in the literature in individuals affected with EXT2-related conditions. ClinVar contains an entry for this variant (Variation ID: 1412670). Advanced modeling of protein sequence and biophysical properties (such as structural, functional, and spatial information, amino acid conservation, physicochemical variation, residue mobility, and thermodynamic stability) performed at Invitae indicates that this missense variant is not expected to disrupt EXT2 protein function with a negative predictive value of 80%. In summary, the available evidence is currently insufficient to determine the role of this variant in disease. Therefore, it has been classified as a Variant of Uncertain Significance.